The following is an entry in ClinVar:

NM_139285.4(GAS2L2):c.1125G>A (p.Pro375=)

Gene: GAS2L2 (growth arrest specific 2 like 2; minus strand). Cytogenetic location: 17q12.
Variant type: single nucleotide variant.
Coding change: c.1125G>A on transcript NM_139285.4 (MANE Select); coding-DNA position 1125, G replaced by A.
Protein change: p.Pro375=; no amino-acid change (proline 375 retained).
Molecular consequence: synonymous variant.
Genome position (GRCh38, 1-based): chr17:35,746,372, C>T on the plus strand (G>A on the coding strand, the complement: GAS2L2 is on the minus strand). VCF-style: chr17-35746372-C-T. GRCh37 (hg19) VCF-style: chr17-34073391-C-T.
Identifiers: ClinVar variation 3039511 (VCV003039511.3), dbSNP rs149365305, ClinGen allele CA8506150.

ClinVar aggregate classification (germline): Likely benign. Review status: criteria provided, single submitter (1 of 4 stars). 2 submissions from 2 submitters: Likely benign (1). 1 of the submissions does not count toward it. Last evaluated 2024-11-25.

Conditions:
GAS2L2-related disorder. Also called: GAS2L2-related condition.

Allele frequency attached by ClinVar (database versions not stated): 1000 Genomes Project 30x 0.00047; 1000 Genomes Project 0.00060; TOPMed 0.00120; ESP Exome Variant Server 0.00169; gnomAD 0.00175; ExAC 0.00185.

Submissions (2):

Blueprint Genetics
Classification: Likely benign. Last evaluated: 2024-11-25. Review status: criteria provided, single submitter. Criteria: ACMG Guidelines, 2015. Collection method: clinical testing. Allele origin: germline.

PreventionGenetics, part of Exact Sciences
Classification: Likely benign for GAS2L2-related condition. Last evaluated: 2024-07-15. Review status: no assertion criteria provided. Collection method: clinical testing. Allele origin: germline. Not counted in ClinVar's aggregate classification.
Comment: This variant is classified as likely benign based on ACMG/AMP sequence variant interpretation guidelines (Richards et al. 2015 PMID: 25741868, with internal and published modifications).